The following is an entry in ClinVar:

ClinVar aggregate classification (germline): Conflicting classifications of pathogenicity. Review status: criteria provided, conflicting classifications (1 of 4 stars). 2 submissions from 2 submitters: Uncertain significance (1); Likely benign (1). Last evaluated 2023-03-01.

Allele frequency attached by ClinVar (database versions not stated): TOPMed below 0.00001; gnomAD exomes 0.00001; gnomAD 0.00002.
gnomAD v4.1: 9 of 1,204,623 alleles (0.00075%); highest among the groups gnomAD compares: Admixed American, 0.0087%; no homozygotes.

Submissions (2):

CeGaT Center for Human Genetics Tuebingen
Classification: Likely benign. Last evaluated: 2023-03-01. Review status: criteria provided, single submitter. Criteria: CeGaT Center For Human Genetics Tuebingen Variant Classification Criteria Version 2. Collection method: clinical testing. Allele origin: germline. Affected: yes. Observed: 1 variant allele.
Comment: HCCS: BP4

Labcorp Genetics (formerly Invitae), Labcorp
Classification: Uncertain significance. Last evaluated: 2023-01-08. Review status: criteria provided, single submitter. Criteria: Invitae Variant Classification Sherloc (09022015). Collection method: clinical testing. Allele origin: germline.
Comment: In summary, the available evidence is currently insufficient to determine the role of this variant in disease. Therefore, it has been classified as a Variant of Uncertain Significance. Advanced modeling of protein sequence and biophysical properties (such as structural, functional, and spatial information, amino acid conservation, physicochemical variation, residue mobility, and thermodynamic stability) performed at Invitae indicates that this missense variant is not expected to disrupt HCCS protein function. This variant has not been reported in the literature in individuals affected with HCCS-related conditions. This variant is present in population databases (no rsID available, gnomAD 0.02%), including at least one homozygous and/or hemizygous individual. This sequence change replaces asparagine, which is neutral and polar, with serine, which is neutral and polar, at codon 235 of the HCCS protein (p.Asn235Ser).

NM_005333.5(HCCS):c.704A>G (p.Asn235Ser)

Gene: HCCS (holocytochrome c synthase; plus strand). Cytogenetic location: Xp22.2.
Variant type: single nucleotide variant.
Coding change: c.704A>G on transcript NM_005333.5 (MANE Select); coding-DNA position 704, A replaced by G.
Protein change: p.Asn235Ser; replaces asparagine 235 with serine.
Molecular consequence: missense variant.
Genome position (GRCh38, 1-based): chrX:11,121,707, A>G. VCF-style: chrX-11121707-A-G. GRCh37 (hg19) VCF-style: chrX-11139827-A-G.
Other names: c.704A>G, p.Asn235Ser (NM_001122608.3, NM_001171991.3); short protein forms N235S.
Identifiers: ClinVar variation 2659982 (VCV002659982.27), dbSNP rs1464547777, ClinGen allele CA412055702.